The following is an entry in ClinVar:

ClinVar aggregate classification (germline): Likely benign (1 of 4 stars; one submission).

Conditions:
Hirschsprung disease, susceptibility to, 4. Identifiers: Orphanet 388, MedGen C3150975, MONDO:0013384, OMIM 613712.

Allele frequency attached by ClinVar (database versions not stated): gnomAD 0.00014 and 0.00023; TOPMed 0.00032; 1000 Genomes Project 0.00040; 1000 Genomes Project 30x 0.00062.

Submission:

Illumina Laboratory Services, Illumina
Classification: Likely benign for Hirschsprung disease, susceptibility to, 4. Last evaluated: 2018-01-12. Review status: criteria provided, single submitter. Criteria: ICSL Variant Classification Criteria 13 December 2019. Collection method: clinical testing. Allele origin: germline.
Comment: This variant was observed in the ICSL laboratory as part of a predisposition screen in an ostensibly healthy population. It had not been previously curated by ICSL or reported in the Human Gene Mutation Database (HGMD: prior to June 1st, 2018), and was therefore a candidate for classification through an automated scoring system. Utilizing variant allele frequency, disease prevalence and penetrance estimates, and inheritance mode, an automated score was calculated to assess if this variant is too frequent to cause the disease. Based on the score and internal cut-off values, a variant classified as likely benign is not then subjected to further curation. The score for this variant resulted in a classification of likely benign for this disease.

NM_207034.3(EDN3):c.*531A>G

Gene: EDN3 (endothelin 3; plus strand). Cytogenetic location: 20q13.32.
Variant type: single nucleotide variant.
Coding change: c.*531A>G on transcript NM_207034.3 (MANE Select); 531 bases downstream of the stop codon, A replaced by G.
Molecular consequence: 3 prime UTR variant.
Genome position (GRCh38, 1-based): chr20:59,324,990, A>G. VCF-style: chr20-59324990-A-G. GRCh37 (hg19) VCF-style: chr20-57900045-A-G.
Other names: c.*655A>G (NM_001302455.2); c.*623A>G (NM_001302456.2, NM_207032.3); c.*531A>G (NM_207033.3).
Identifiers: ClinVar variation 339143 (VCV000339143.5), dbSNP rs11570355, ClinGen allele CA10650109.